The following is an entry in ClinVar:

NM_006031.6(PCNT):c.9903T>C (p.His3301=)

Gene: PCNT (pericentrin; plus strand). Cytogenetic location: 21q22.3.
Variant type: single nucleotide variant.
Coding change: c.9903T>C on transcript NM_006031.6 (MANE Select); coding-DNA position 9903, T replaced by C.
Protein change: p.His3301=; no amino-acid change (histidine 3301 retained).
Molecular consequence: synonymous variant.
Genome position (GRCh38, 1-based): chr21:46,444,757, T>C. VCF-style: chr21-46444757-T-C. GRCh37 (hg19) VCF-style: chr21-47864670-T-C.
Other names: c.9312T>C, p.His3104= (NM_001315529.2).
Identifiers: ClinVar variation 3344325 (VCV003344325.1).

ClinVar aggregate classification (germline): Likely benign (0 of 4 stars; one submission).

Conditions:
PCNT-related disorder. Also called: PCNT-related condition.

Submission:

PreventionGenetics, part of Exact Sciences
Classification: Likely benign for PCNT-related condition. Last evaluated: 2024-09-05. Review status: no assertion criteria provided. Collection method: clinical testing. Allele origin: germline.
Comment: This variant is classified as likely benign based on ACMG/AMP sequence variant interpretation guidelines (Richards et al. 2015 PMID: 25741868, with internal and published modifications).